The following is an entry in ClinVar:

ClinVar aggregate classification (germline): Likely pathogenic (1 of 4 stars; one submission).

Submission:

ARUP Laboratories, Molecular Genetics and Genomics, ARUP Laboratories
Classification: Likely pathogenic. Last evaluated: 2018-08-30. Review status: criteria provided, single submitter. Criteria: ARUP Molecular Germline Variant Investigation Process. Collection method: clinical testing. Allele origin: germline.
Comment: The VWF c.3917G>C; Arg1306Pro variant is reported in the literature in at least one individual affected with von Willebrand disease (VWD), type 2B (Veyradier 2016). This variant is absent from general population databases (1000 Genomes Project, Exome Variant Server, and Genome Aggregation Database), indicating it is not a common polymorphism. The arginine at codon 1306 is moderately conserved, and lies within the A1 domain, where many pathogenic variants causing type 2B VWD are found (Veyradier 2016). Additionally, computational analyses (SIFT, PolyPhen-2) predict that this variant is deleterious, and other variants at this codon (p.Arg1306Trp/Gln/Leu) have been reported in individuals with type 2B VWD and are considered pathogenic (Veyradier 2016). Based on available information, the p.Arg1306Pro variant is considered to be likely pathogenic. References: Veyradier A et al. A Laboratory Phenotype/Genotype Correlation of 1167 French Patients From 670 Families With von Willebrand Disease: A New Epidemiologic Picture. Medicine (Baltimore). 2016 Mar;95(11):e3038.

NM_000552.5(VWF):c.3917G>C (p.Arg1306Pro)

Gene: VWF (von Willebrand factor; minus strand). Cytogenetic location: 12p13.31.
Variant type: single nucleotide variant.
Coding change: c.3917G>C on transcript NM_000552.5 (MANE Select); coding-DNA position 3917, G replaced by C.
Protein change: p.Arg1306Pro; replaces arginine 1306 with proline.
Molecular consequence: missense variant.
Genome position (GRCh38, 1-based): chr12:6,019,501, C>G on the plus strand (G>C on the coding strand, the complement: VWF is on the minus strand). VCF-style: chr12-6019501-C-G. GRCh37 (hg19) VCF-style: chr12-6128667-C-G.
Other names: short protein forms R1306P.
Identifiers: ClinVar variation 811125 (VCV000811125.8), dbSNP rs61749385, ClinGen allele CA383506213.